The following is an entry in ClinVar:

ClinVar aggregate classification (germline): Pathogenic (1 of 4 stars; one submission).

Conditions:
Hereditary cancer-predisposing syndrome. Also called: Tumor predisposition; Hereditary Cancer Syndrome; Hereditary neoplastic syndrome; Neoplastic Syndromes, Hereditary. Identifiers: Orphanet 140162, MedGen C0027672, MeSH D009386, MONDO:0015356.

Submission:

Ambry Genetics
Classification: Pathogenic for Hereditary cancer-predisposing syndrome. Last evaluated: 2023-08-24. Review status: criteria provided, single submitter. Criteria: Ambry Variant Classification Scheme 2023. Collection method: clinical testing. Allele origin: germline.
Comment: The p.L680* pathogenic mutation (also known as c.2039T>A), located in coding exon 13 of the BRIP1 gene, results from a T to A substitution at nucleotide position 2039. This variant is considered to be rare based on population cohorts in the Genome Aggregation Database (gnomAD). This changes the amino acid from a leucine to a stop codon within coding exon 13. This alteration is expected to result in loss of function by premature protein truncation or nonsense-mediated mRNA decay. As such, this alteration is interpreted as a disease-causing mutation.

NM_032043.3(BRIP1):c.2039T>A (p.Leu680Ter)

Gene: BRIP1 (BRCA1 interacting DNA helicase 1; minus strand). Cytogenetic location: 17q23.2.
Variant type: single nucleotide variant.
Coding change: c.2039T>A on transcript NM_032043.3 (MANE Select); coding-DNA position 2039, T replaced by A.
Protein change: p.Leu680Ter; replaces leucine 680 with a stop codon.
Molecular consequence: nonsense.
Genome position (GRCh38, 1-based): chr17:61,776,459, A>T on the plus strand (T>A on the coding strand, the complement: BRIP1 is on the minus strand). VCF-style: chr17-61776459-A-T. GRCh37 (hg19) VCF-style: chr17-59853820-A-T.
Other names: short protein forms L680*.
Identifiers: ClinVar variation 2626393 (VCV002626393.2), dbSNP rs2077534379, ClinGen allele CA400478228.